The following is an entry in ClinVar:

ClinVar aggregate classification (germline): Uncertain significance. Review status: criteria provided, multiple submitters, no conflicts (2 of 4 stars). 2 submissions from 2 submitters: Uncertain significance (2). Last evaluated 2025-08-03.

Conditions:
COMP-related disorder. Also called: COMP-related condition; COMP-related disorders.

Allele frequency attached by ClinVar (database versions not stated): gnomAD exomes 0.00002 and 0.00003; TOPMed 0.00003; ExAC 0.00004; gnomAD 0.00005 and 0.00006; ESP Exome Variant Server 0.00015.

Submissions (2):

Labcorp Genetics (formerly Invitae), Labcorp
Classification: Uncertain significance. Last evaluated: 2025-08-03. Review status: criteria provided, single submitter. Criteria: Invitae Variant Classification Sherloc (09022015). Collection method: clinical testing. Allele origin: germline.
Comment: This sequence change creates a premature translational stop signal (p.Arg672*) in the COMP gene. It is expected to result in an absent or disrupted protein product. However, the current clinical and genetic evidence is not sufficient to establish whether loss-of-function variants in COMP cause disease. This variant is present in population databases (rs148554460, gnomAD 0.07%). This variant has not been reported in the literature in individuals affected with COMP-related conditions. ClinVar contains an entry for this variant (Variation ID: 891939). In summary, the available evidence is currently insufficient to determine the role of this variant in disease. Therefore, it has been classified as a Variant of Uncertain Significance.

Illumina Laboratory Services, Illumina
Classification: Uncertain significance for COMP-Related Disorders. Last evaluated: 2017-04-28. Review status: criteria provided, single submitter. Criteria: ICSL Variant Classification Criteria 13 December 2019. Collection method: clinical testing. Allele origin: germline.

NM_000095.3(COMP):c.2014C>T (p.Arg672Ter)

Gene: COMP (cartilage oligomeric matrix protein; minus strand). Cytogenetic location: 19p13.11.
Variant type: single nucleotide variant.
Coding change: c.2014C>T on transcript NM_000095.3 (MANE Select); coding-DNA position 2014, C replaced by T.
Protein change: p.Arg672Ter; replaces arginine 672 with a stop codon.
Molecular consequence: nonsense.
Genome position (GRCh38, 1-based): chr19:18,784,264, G>A on the plus strand (C>T on the coding strand, the complement: COMP is on the minus strand). VCF-style: chr19-18784264-G-A. GRCh37 (hg19) VCF-style: chr19-18895074-G-A.
Other names: short protein forms R672*.
Identifiers: ClinVar variation 891939 (VCV000891939.10), dbSNP rs148554460, ClinGen allele CA9316204.